The following is an entry in ClinVar:

ClinVar aggregate classification (germline): Uncertain significance. Review status: criteria provided, multiple submitters, no conflicts (2 of 4 stars). 2 submissions from 2 submitters: Uncertain significance (2). Last evaluated 2025-01-19.

Conditions:
Inborn genetic diseases. Identifiers: MedGen C0950123, MeSH D030342.

Allele frequency attached by ClinVar (database versions not stated): gnomAD exomes below 0.00001; gnomAD 0.00006.
gnomAD v4.1: 10 of 1,530,226 alleles (0.00065%); highest among the groups gnomAD compares: Non-Finnish European, 0.00087%; no homozygotes.

Submissions (2):

Labcorp Genetics (formerly Invitae), Labcorp
Classification: Uncertain significance. Last evaluated: 2025-01-19. Review status: criteria provided, single submitter. Criteria: Invitae Variant Classification Sherloc (09022015). Collection method: clinical testing. Allele origin: germline.
Comment: This sequence change replaces proline, which is neutral and non-polar, with serine, which is neutral and polar, at codon 34 of the NKX3-2 protein (p.Pro34Ser). This variant is present in population databases (no rsID available, gnomAD 0.05%). This variant has not been reported in the literature in individuals affected with NKX3-2-related conditions. ClinVar contains an entry for this variant (Variation ID: 2293251). An algorithm developed to predict the effect of missense changes on protein structure and function outputs the following: PolyPhen-2: "Benign". The serine amino acid residue is found in multiple mammalian species, which suggests that this missense change does not adversely affect protein function. In summary, the available evidence is currently insufficient to determine the role of this variant in disease. Therefore, it has been classified as a Variant of Uncertain Significance.

Ambry Genetics
Classification: Uncertain significance for Inborn genetic diseases. Last evaluated: 2022-05-31. Review status: criteria provided, single submitter. Criteria: Ambry Variant Classification Scheme 2023. Collection method: clinical testing. Allele origin: germline.

NM_001189.4(NKX3-2):c.100C>T (p.Pro34Ser)

Gene: NKX3-2 (NK3 homeobox 2; minus strand). Cytogenetic location: 4p15.33.
Variant type: single nucleotide variant.
Coding change: c.100C>T on transcript NM_001189.4 (MANE Select); coding-DNA position 100, C replaced by T.
Protein change: p.Pro34Ser; replaces proline 34 with serine.
Molecular consequence: missense variant.
Genome position (GRCh38, 1-based): chr4:13,544,315, G>A on the plus strand (C>T on the coding strand, the complement: NKX3-2 is on the minus strand). VCF-style: chr4-13544315-G-A. GRCh37 (hg19) VCF-style: chr4-13545939-G-A.
Other names: short protein forms P34S.
Identifiers: ClinVar variation 2293251 (VCV002293251.4), dbSNP rs1216892476, ClinGen allele CA356378026.
Genomic context (GRCh38, chr4:13,544,315, plus strand): 5'-GCCGCCAACAGCAGACAGCGGGAGCCGCGGCCACCGATGCCGCTGTGCCCCCGGGCGCCG[G>A]GCGCCCCTCTGGCGCGGCCAGCCCGCCGCGCTCCTCTTTCTTGTTGAGGATCGCCTGGAT-3'
Protein context (NP_001180.1, residues 24-44): RGGLAAPEGR[Pro34Ser]APGGTAASVA